The following is an entry in ClinVar:

ClinVar aggregate classification (germline): Benign (1 of 4 stars; one submission).

Conditions:
Pitt-Hopkins syndrome (PTHS). Also called: ENCEPHALOPATHY, SEVERE EPILEPTIC, WITH AUTONOMIC DYSFUNCTION; MENTAL RETARDATION, SYNDROMAL, WITH INTERMITTENT HYPERVENTILATION. Identifiers: Orphanet 2896, MedGen C1970431, MONDO:0012589, OMIM 610954.

Allele frequency attached by ClinVar (database versions not stated): 1000 Genomes Project 30x 0.00062; 1000 Genomes Project 0.00080; TOPMed 0.00157; gnomAD 0.00176 and 0.00185; gnomAD exomes 0.00463.
gnomAD v4.1: 267 of 152,700 alleles (0.17%); highest among the groups gnomAD compares: Admixed American, 0.37%; no homozygotes.

Submission:

Illumina Laboratory Services, Illumina
Classification: Benign for Pitt-Hopkins syndrome. Last evaluated: 2018-01-12. Review status: criteria provided, single submitter. Criteria: ICSL Variant Classification Criteria 13 December 2019. Collection method: clinical testing. Allele origin: germline.
Comment: This variant was observed in the ICSL laboratory as part of a predisposition screen in an ostensibly healthy population. It had not been previously curated by ICSL or reported in the Human Gene Mutation Database (HGMD: prior to June 1st, 2018), and was therefore a candidate for classification through an automated scoring system. Utilizing variant allele frequency, disease prevalence and penetrance estimates, and inheritance mode, an automated score was calculated to assess if this variant is too frequent to cause the disease. Based on the score and internal cut-off values, a variant classified as benign is not then subjected to further curation. The score for this variant resulted in a classification of benign for this disease.

NM_001083962.2(TCF4):c.*3269T>A

Gene: TCF4 (transcription factor 4; minus strand). Cytogenetic location: 18q21.2.
Variant type: single nucleotide variant.
Coding change: c.*3269T>A on transcript NM_001083962.2 (MANE Select); 3269 bases downstream of the stop codon, T replaced by A.
Molecular consequence: 3 prime UTR variant.
Genome position (GRCh38, 1-based): chr18:55,224,766, A>T on the plus strand (T>A on the coding strand, the complement: TCF4 is on the minus strand). VCF-style: chr18-55224766-A-T. GRCh37 (hg19) VCF-style: chr18-52891997-A-T.
Other names: c.*3269T>A (NM_001369577.1, NM_001369578.1, NM_001369579.1 and 42 more transcripts).
Identifiers: ClinVar variation 327261 (VCV000327261.5), dbSNP rs192850080, ClinGen allele CA10641729.